The following is an entry in ClinVar:

NM_001486.4(GCKR):c.320G>T (p.Gly107Val)

Gene: GCKR (glucokinase regulator; plus strand). Cytogenetic location: 2p23.3.
Variant type: single nucleotide variant.
Coding change: c.320G>T on transcript NM_001486.4 (MANE Select); coding-DNA position 320, G replaced by T.
Protein change: p.Gly107Val; replaces glycine 107 with valine.
Molecular consequence: missense variant.
Genome position (GRCh38, 1-based): chr2:27,498,289, G>T. VCF-style: chr2-27498289-G-T. GRCh37 (hg19) VCF-style: chr2-27721156-G-T.
Other names: short protein forms G107V.
Identifiers: ClinVar variation 2307634 (VCV002307634.4), dbSNP rs772220575, ClinGen allele CA1581521.
Genomic context (GRCh38, chr2:27,498,289, plus strand): 5'-TAATATATGCCTCTTTCCTTCTTCAGGAGCCAGATGGGGGGCTGGTTGTGCTGAGTGGAG[G>T]GGGCACCTCTGGCCGGATGGCATTCCTCATGTCGGTGAGCACCCTGGTCTCCAGTTTTCT-3'
Protein context (NP_001477.2, residues 97-117): PDGGLVVLSG[Gly107Val]GTSGRMAFLM

ClinVar aggregate classification (germline): Uncertain significance. Review status: criteria provided, multiple submitters, no conflicts (2 of 4 stars). 2 submissions from 2 submitters: Uncertain significance (2). Last evaluated 2025-05-26.

Allele frequency attached by ClinVar (database versions not stated): ExAC 0.00007; gnomAD 0.00001; TOPMed 0.00001; gnomAD exomes 0.00003.
gnomAD v4.1: 23 of 1,613,664 alleles (0.0014%); highest among the groups gnomAD compares: Admixed American, 0.035%; no homozygotes.

Submissions (2):

Labcorp Genetics (formerly Invitae), Labcorp
Classification: Uncertain significance. Last evaluated: 2025-05-26. Review status: criteria provided, single submitter. Criteria: Invitae Variant Classification Sherloc (09022015). Collection method: clinical testing. Allele origin: germline.
Comment: This sequence change replaces glycine, which is neutral and non-polar, with valine, which is neutral and non-polar, at codon 107 of the GCKR protein (p.Gly107Val). This variant is present in population databases (rs772220575, gnomAD 0.04%). This variant has not been reported in the literature in individuals affected with GCKR-related conditions. ClinVar contains an entry for this variant (Variation ID: 2307634). Invitae Evidence Modeling of protein sequence and biophysical properties (such as structural, functional, and spatial information, amino acid conservation, physicochemical variation, residue mobility, and thermodynamic stability) indicates that this missense variant is not expected to disrupt GCKR protein function with a negative predictive value of 80%. In summary, the available evidence is currently insufficient to determine the role of this variant in disease. Therefore, it has been classified as a Variant of Uncertain Significance.

Ambry Genetics
Classification: Uncertain significance. Last evaluated: 2022-08-17. Review status: criteria provided, single submitter. Criteria: Ambry Variant Classification Scheme 2023. Collection method: clinical testing. Allele origin: germline.